The following is an entry in ClinVar:

NM_006033.4(LIPG):c.562C>T (p.Arg188Ter)

Gene: LIPG (lipase G, endothelial type; plus strand). Cytogenetic location: 18q21.1.
Variant type: single nucleotide variant.
Coding change: c.562C>T on transcript NM_006033.4 (MANE Select); coding-DNA position 562, C replaced by T.
Protein change: p.Arg188Ter; replaces arginine 188 with a stop codon.
Molecular consequence: nonsense.
Genome position (GRCh38, 1-based): chr18:49,569,539, C>T. VCF-style: chr18-49569539-C-T. GRCh37 (hg19) VCF-style: chr18-47095909-C-T.
Other names: c.562C>T, p.Arg188Ter (NM_001308006.2); short protein forms R188*.
Identifiers: ClinVar variation 4798299 (VCV004798299.1).

ClinVar aggregate classification (germline): Uncertain significance (1 of 4 stars; one submission).

gnomAD v4.1: 20 of 1,613,222 alleles (0.0012%); highest among the groups gnomAD compares: Admixed American, 0.0033%; no homozygotes.

Submission:

Labcorp Genetics (formerly Invitae), Labcorp
Classification: Uncertain significance. Last evaluated: 2025-08-19. Review status: criteria provided, single submitter. Criteria: Invitae Variant Classification Sherloc (09022015). Collection method: clinical testing. Allele origin: germline.
Comment: This sequence change creates a premature translational stop signal (p.Arg188*) in the LIPG gene. The frequency data for this variant in the population databases is considered unreliable, as metrics indicate poor data quality at this position in the gnomAD database. This variant has not been reported in the literature in individuals affected with LIPG-related conditions. In summary, the available evidence is currently insufficient to determine the role of this variant in disease. Therefore, it has been classified as a Variant of Uncertain Significance.